The following is an entry in ClinVar:

NM_001031689.3(PLAA):c.445G>C (p.Gly149Arg)

Gene: PLAA (phospholipase A2 activating protein; minus strand). Cytogenetic location: 9p21.2.
Variant type: single nucleotide variant.
Coding change: c.445G>C on transcript NM_001031689.3 (MANE Select); coding-DNA position 445, G replaced by C.
Protein change: p.Gly149Arg; replaces glycine 149 with arginine.
Molecular consequence: missense variant.
Genome position (GRCh38, 1-based): chr9:26,928,220, C>G on the plus strand (G>C on the coding strand, the complement: PLAA is on the minus strand). VCF-style: chr9-26928220-C-G. GRCh37 (hg19) VCF-style: chr9-26928218-C-G.
Other names: c.445G>C, p.Gly149Arg (NM_001321546.2); short protein forms G149R.
Identifiers: ClinVar variation 1307220 (VCV001307220.4), dbSNP rs763290476, ClinGen allele CA5014623.

ClinVar aggregate classification (germline): Uncertain significance. Review status: criteria provided, multiple submitters, no conflicts (2 of 4 stars). 2 submissions from 2 submitters: Uncertain significance (2). Last evaluated 2022-10-14.

Allele frequency attached by ClinVar (database versions not stated): gnomAD exomes 0.00001; ExAC 0.00002; TOPMed 0.00002.
gnomAD v4.1: 14 of 1,614,088 alleles (0.00087%); highest among the groups gnomAD compares: Admixed American, 0.0033%; no homozygotes.

Submissions (2):

Labcorp Genetics (formerly Invitae), Labcorp
Classification: Uncertain significance. Last evaluated: 2022-10-14. Review status: criteria provided, single submitter. Criteria: Invitae Variant Classification Sherloc (09022015). Collection method: clinical testing. Allele origin: germline.
Comment: This sequence change replaces glycine, which is neutral and non-polar, with arginine, which is basic and polar, at codon 149 of the PLAA protein (p.Gly149Arg). This variant is present in population databases (rs763290476, gnomAD 0.006%). This variant has not been reported in the literature in individuals affected with PLAA-related conditions. ClinVar contains an entry for this variant (Variation ID: 1307220). Algorithms developed to predict the effect of missense changes on protein structure and function (SIFT, PolyPhen-2, Align-GVGD) all suggest that this variant is likely to be disruptive. In summary, the available evidence is currently insufficient to determine the role of this variant in disease. Therefore, it has been classified as a Variant of Uncertain Significance.

GeneDx
Classification: Uncertain significance. Last evaluated: 2019-07-24. Review status: criteria provided, single submitter. Criteria: GeneDx Variant Classification Process June 2021. Collection method: clinical testing. Allele origin: germline. Affected: yes.
Comment: In silico analysis, which includes protein predictors and evolutionary conservation, supports a deleterious effect. In-silico splice predictors are inconclusive as to whether the variant alters gene splicing. In the absence of RNA/functional studies, the actual effect of this sequence change is unknown; Has not been previously published as pathogenic or benign to our knowledge